The following is an entry in ClinVar:

NC_000014.8:g.(?_81528472)_(81574816_?)del

Gene: TSHR (thyroid stimulating hormone receptor; plus strand). Cytogenetic location: 14q31.1.
Variant type: Deletion.
Identifiers: ClinVar variation 3244059 (VCV003244059.1).

ClinVar aggregate classification (germline): Pathogenic (1 of 4 stars; one submission).

Submission:

Labcorp Genetics (formerly Invitae), Labcorp
Classification: Pathogenic. Last evaluated: 2023-06-05. Review status: criteria provided, single submitter. Criteria: Invitae Variant Classification Sherloc (09022015). Collection method: clinical testing. Allele origin: unknown.
Comment: This variant is a gross deletion of the genomic region encompassing exon(s) 2-8 of the TSHR gene. This variant would be expected to be in-frame, preserving the integrity of the reading frame. For these reasons, this variant has been classified as Pathogenic. This variant disrupts a region of the TSHR protein in which other variant(s) (p.Pro162Ala) have been determined to be pathogenic (PMID: 7528344, 8954020, 10560953, 16060907). This suggests that this is a clinically significant region of the protein, and that variants that disrupt it are likely to be disease-causing. This variant has not been reported in the literature in individuals affected with TSHR-related conditions.

Literature cited by the submitters: PubMed 7528344; PubMed 8954020; PubMed 10560953; PubMed 16060907.